The following is an entry in ClinVar:

ClinVar aggregate classification (germline): Likely benign (0 of 4 stars; one submission).

Conditions:
ZIC2-related disorder. Also called: ZIC2-related condition.

Allele frequency attached by ClinVar (database versions not stated): gnomAD 0.00001; gnomAD exomes 0.00001; TOPMed 0.00001; ExAC 0.00002; ESP Exome Variant Server 0.00009.

Submission:

PreventionGenetics, part of Exact Sciences
Classification: Likely benign for ZIC2-related condition. Last evaluated: 2020-12-09. Review status: no assertion criteria provided. Collection method: clinical testing. Allele origin: germline.
Comment: This variant is classified as likely benign based on ACMG/AMP sequence variant interpretation guidelines (Richards et al. 2015 PMID: 25741868, with internal and published modifications).

NM_007129.5(ZIC2):c.1593C>T (p.Tyr531=)

Gene: ZIC2 (Zic family member 2; plus strand). Cytogenetic location: 13q32.3.
Variant type: single nucleotide variant.
Coding change: c.1593C>T on transcript NM_007129.5 (MANE Select); coding-DNA position 1593, C replaced by T.
Protein change: p.Tyr531=; no amino-acid change (tyrosine 531 retained).
Molecular consequence: synonymous variant.
Genome position (GRCh38, 1-based): chr13:99,985,676, C>T. VCF-style: chr13-99985676-C-T. GRCh37 (hg19) VCF-style: chr13-100637930-C-T.
Identifiers: ClinVar variation 3030656 (VCV003030656.2), dbSNP rs371773479, ClinGen allele CA7033019.
Genomic context (GRCh38, chr13:99,985,676, plus strand): 5'-CGGGGGCAGCGGGACAGCCGGGGGTCACAGCGGCCTCTCCTCCAACTTCAATGAATGGTA[C>T]GTGTGACGGGTCGGGGCCTCTCTCCCTCTCCCTGTCCCCACCCCAGCGCAGCAGCCCTCC-3'
Protein context (NP_009060.2, residues 521-532): SGLSSNFNEW[Tyr531=]V